The following is an entry in ClinVar:

NM_002485.5(NBN):c.580G>A (p.Glu194Lys)

Gene: NBN (nibrin; minus strand). Cytogenetic location: 8q21.3.
Variant type: single nucleotide variant.
Coding change: c.580G>A on transcript NM_002485.5 (MANE Select); coding-DNA position 580, G replaced by A.
Protein change: p.Glu194Lys; replaces glutamic acid 194 with lysine.
Molecular consequence: missense variant.
Genome position (GRCh38, 1-based): chr8:89,978,224, C>T on the plus strand (G>A on the coding strand, the complement: NBN is on the minus strand). VCF-style: chr8-89978224-C-T. GRCh37 (hg19) VCF-style: chr8-90990452-C-T.
Other names: c.334G>A, p.Glu112Lys (NM_001024688.3); short protein forms E194K, E112K.
Identifiers: ClinVar variation 530718 (VCV000530718.13), dbSNP rs1554566610, ClinGen allele CA371660085.

ClinVar aggregate classification (germline): Uncertain significance. Review status: criteria provided, multiple submitters, no conflicts (2 of 4 stars). 2 submissions from 2 submitters: Uncertain significance (2). Last evaluated 2025-12-30.

Conditions:
Microcephaly, normal intelligence and immunodeficiency (NBS). Also called: IMMUNODEFICIENCY, MICROCEPHALY, AND CHROMOSOMAL INSTABILITY; Nijmegen breakage syndrome; Microcephaly with normal intelligence immunodeficiency and lymphoreticular malignancies; Nonsyndromal microcephaly autosomal recessive with normal intelligence; Seemanova syndrome 2; BERLIN BREAKAGE SYNDROME. Identifiers: Orphanet 647, MedGen C0398791, MONDO:0009623, OMIM 251260.
Hereditary cancer-predisposing syndrome. Also called: Tumor predisposition; Hereditary Cancer Syndrome; Neoplastic Syndromes, Hereditary; Hereditary neoplastic syndrome. Identifiers: Orphanet 140162, MedGen C0027672, MeSH D009386, MONDO:0015356.

Submissions (2):

Ambry Genetics
Classification: Uncertain significance for Hereditary cancer-predisposing syndrome. Last evaluated: 2025-12-30. Review status: criteria provided, single submitter. Criteria: Ambry Variant Classification Scheme 2023. Collection method: clinical testing. Allele origin: germline.

Labcorp Genetics (formerly Invitae), Labcorp
Classification: Uncertain significance for Microcephaly, normal intelligence and immunodeficiency. Last evaluated: 2017-08-10. Review status: criteria provided, single submitter. Criteria: Invitae Variant Classification Sherloc (09022015). Collection method: clinical testing. Allele origin: germline.
Comment: Algorithms developed to predict the effect of missense changes on protein structure and function do not agree on the potential impact of this missense change (SIFT: "Deleterious"; PolyPhen-2: "Benign"; Align-GVGD: "Class C0"). This variant has not been reported in the literature in individuals with NBN-related disease. This variant is not present in population databases (ExAC no frequency). This sequence change replaces glutamic acid with lysine at codon 194 of the NBN protein (p.Glu194Lys). The glutamic acid residue is highly conserved and there is a small physicochemical difference between glutamic acid and lysine. In summary, the available evidence is currently insufficient to determine the role of this variant in disease. Therefore, it has been classified as a Variant of Uncertain Significance.